The following is an entry in ClinVar:

ClinVar aggregate classification (germline): Likely benign (1 of 4 stars; one submission).

Submission:

GeneDx
Classification: Likely benign. Last evaluated: 2017-08-02. Review status: criteria provided, single submitter. Criteria: GeneDx Variant Classification (06012015). Collection method: clinical testing. Allele origin: germline. Affected: yes.
Comment: This variant is considered likely benign or benign based on one or more of the following criteria: it is a conservative change, it occurs at a poorly conserved position in the protein, it is predicted to be benign by multiple in silico algorithms, and/or has population frequency not consistent with disease.

NM_020751.3(COG6):c.258C>T (p.Ile86=)

Gene: COG6 (component of oligomeric golgi complex 6; plus strand). Cytogenetic location: 13q14.11.
Variant type: single nucleotide variant.
Coding change: c.258C>T on transcript NM_020751.3 (MANE Select); coding-DNA position 258, C replaced by T.
Protein change: p.Ile86=; no amino-acid change (isoleucine 86 retained).
Molecular consequence: synonymous variant. On other transcripts: non-coding transcript variant (1).
Genome position (GRCh38, 1-based): chr13:39,659,468, C>T. VCF-style: chr13-39659468-C-T. GRCh37 (hg19) VCF-style: chr13-40233605-C-T.
Other names: c.258C>T, p.Ile86= (NM_001145079.2).
Identifiers: ClinVar variation 511001 (VCV000511001.1), dbSNP rs1555273437, ClinGen allele CA483450400.